The following is an entry in ClinVar:

NM_025179.4(PLXNA2):c.4156G>A (p.Val1386Met)

Gene: PLXNA2 (plexin A2; minus strand). Cytogenetic location: 1q32.2.
Variant type: single nucleotide variant.
Coding change: c.4156G>A on transcript NM_025179.4 (MANE Select); coding-DNA position 4156, G replaced by A.
Protein change: p.Val1386Met; replaces valine 1386 with methionine.
Molecular consequence: missense variant.
Genome position (GRCh38, 1-based): chr1:208,042,228, C>T on the plus strand (G>A on the coding strand, the complement: PLXNA2 is on the minus strand). VCF-style: chr1-208042228-C-T. GRCh37 (hg19) VCF-style: chr1-208215573-C-T.
Other names: short protein forms V1386M.
Identifiers: ClinVar variation 4984240 (VCV004984240.1).

ClinVar aggregate classification (germline): Uncertain significance (1 of 4 stars; one submission).

Conditions:
PLXNA2-related disorder. Also called: PLXNA2-related condition.

gnomAD v4.1: 7 of 1,614,112 alleles (0.00043%); highest among the groups gnomAD compares: East Asian, 0.0022%; no homozygotes.

Submission:

PreventionGenetics, part of Exact Sciences
Classification: Uncertain significance for PLXNA2-related condition. Last evaluated: 2026-08-24. Review status: criteria provided, single submitter. Criteria: ACMG Guidelines, 2015. Collection method: clinical testing. Allele origin: germline.
Comment: The PLXNA2 c.4156G>A variant is predicted to result in the amino acid substitution p.Val1386Met. To our knowledge, this variant has not been reported in the literature. This variant is reported in 0.00088% of alleles in individuals of European (Non-Finnish) descent in gnomAD. At this time, the clinical significance of this variant is uncertain due to the absence of conclusive functional and genetic evidence.